The following is an entry in ClinVar:

ClinVar aggregate classification (germline): Likely pathogenic. Review status: criteria provided, multiple submitters, no conflicts (2 of 4 stars). 2 submissions from 2 submitters: Likely pathogenic (2). Last evaluated 2024-05-30.

Conditions:
Hereditary cancer-predisposing syndrome. Also called: Neoplastic Syndromes, Hereditary; Hereditary neoplastic syndrome; Tumor predisposition; Hereditary Cancer Syndrome. Identifiers: Orphanet 140162, MedGen C0027672, MeSH D009386, MONDO:0015356.
Bloom syndrome (BLM). Also called: Bloom-Torre-Machacek syndrome. Identifiers: Orphanet 125, MedGen C0005859, MONDO:0008876, OMIM 210900.

Allele frequency attached by ClinVar (database versions not stated): gnomAD exomes below 0.00001.
gnomAD v4.1: 1 of 1,572,304 alleles (0.000064%); highest among the groups gnomAD compares: Non-Finnish European, 0.000086%; no homozygotes.

Submissions (2):

Ambry Genetics
Classification: Likely pathogenic for Hereditary cancer-predisposing syndrome. Last evaluated: 2024-05-30. Review status: criteria provided, single submitter. Criteria: Ambry Variant Classification Scheme 2023. Collection method: clinical testing. Allele origin: germline.
Comment: The c.3210+1G>A intronic variant results from a G to A substitution one nucleotide after coding exon 15 of the BLM gene. This variant is considered to be rare based on population cohorts in the Genome Aggregation Database (gnomAD). This nucleotide position is highly conserved in available vertebrate species. In silico splice site analysis predicts that this alteration will weaken the native splice donor site and may result in the creation or strengthening of a novel splice donor site. Alterations that disrupt the canonical splice site are expected to cause aberrant splicing, resulting in an abnormal protein or a transcript that is subject to nonsense-mediated mRNA decay. As such, this alteration is classified as likely pathogenic.

Baylor Genetics
Classification: Likely pathogenic for Bloom syndrome. Last evaluated: 2022-07-20. Review status: criteria provided, single submitter. Criteria: ACMG Guidelines, 2015. Collection method: clinical testing. Allele origin: unknown.

NM_000057.4(BLM):c.3210+1G>A

Gene: BLM (BLM RecQ like helicase; plus strand). Cytogenetic location: 15q26.1.
Variant type: single nucleotide variant.
Coding change: c.3210+1G>A on transcript NM_000057.4 (MANE Select); the canonical splice donor site of the intron after coding-DNA position 3210, G replaced by A.
Molecular consequence: splice donor variant.
Genome position (GRCh38, 1-based): chr15:90,794,358, G>A. VCF-style: chr15-90794358-G-A. GRCh37 (hg19) VCF-style: chr15-91337588-G-A.
Other names: c.3210+1G>A (NM_001287246.2, NM_001287247.2, NM_000057.2); c.2085+1G>A (NM_001287248.2).
Identifiers: ClinVar variation 2680190 (VCV002680190.2), dbSNP rs2505525790, ClinGen allele CA393847086.